The following is an entry in ClinVar:

ClinVar aggregate classification (germline): Uncertain significance (1 of 4 stars; one submission).

Conditions:
Singleton-Merten syndrome 1 (SGMRT1). Also called: Widened medullary cavities of bone, aortic calcification, abnormal dentition, and muscular weakness; Syndrome of widened medullary cavities of the metacarpals and phalanges, aortic calcification and abnormal dentition. Identifiers: Orphanet 85191, MedGen C4225427, MONDO:0024535, OMIM 182250.
Aicardi-Goutieres syndrome 7 (AGS7). Identifiers: Orphanet 51, MedGen C3888244, MONDO:0014367, OMIM 615846.

Submission:

Labcorp Genetics (formerly Invitae), Labcorp
Classification: Uncertain significance for Aicardi-Goutieres syndrome 7; Singleton-Merten syndrome 1. Last evaluated: 2023-12-28. Review status: criteria provided, single submitter. Criteria: Invitae Variant Classification Sherloc (09022015). Collection method: clinical testing. Allele origin: germline.
Comment: This sequence change replaces isoleucine, which is neutral and non-polar, with phenylalanine, which is neutral and non-polar, at codon 940 of the IFIH1 protein (p.Ile940Phe). This variant is not present in population databases (gnomAD no frequency). This variant has not been reported in the literature in individuals affected with IFIH1-related conditions. Algorithms developed to predict the effect of missense changes on protein structure and function output the following: SIFT: "Not Available"; PolyPhen-2: "Benign"; Align-GVGD: "Not Available". The phenylalanine amino acid residue is found in multiple mammalian species, which suggests that this missense change does not adversely affect protein function. In summary, the available evidence is currently insufficient to determine the role of this variant in disease. Therefore, it has been classified as a Variant of Uncertain Significance.

NM_022168.4(IFIH1):c.2818A>T (p.Ile940Phe)

Gene: IFIH1 (interferon induced with helicase C domain 1; minus strand). Cytogenetic location: 2q24.2.
Variant type: single nucleotide variant.
Coding change: c.2818A>T on transcript NM_022168.4 (MANE Select); coding-DNA position 2818, A replaced by T.
Protein change: p.Ile940Phe; replaces isoleucine 940 with phenylalanine.
Molecular consequence: missense variant.
Genome position (GRCh38, 1-based): chr2:162,267,559, T>A on the plus strand (A>T on the coding strand, the complement: IFIH1 is on the minus strand). VCF-style: chr2-162267559-T-A. GRCh37 (hg19) VCF-style: chr2-163124069-T-A.
Other names: short protein forms I940F.
Identifiers: ClinVar variation 2954517 (VCV002954517.3), dbSNP rs2105187096, ClinGen allele CA348990099.